The following is an entry in ClinVar:

ClinVar aggregate classification (germline): Pathogenic. Review status: criteria provided, multiple submitters, no conflicts (2 of 4 stars). 4 submissions from 4 submitters: Pathogenic (4). Last evaluated 2025-04-14.

Conditions:
Hereditary cancer-predisposing syndrome. Also called: Tumor predisposition; Neoplastic Syndromes, Hereditary; Hereditary neoplastic syndrome; Hereditary Cancer Syndrome. Identifiers: Orphanet 140162, MedGen C0027672, MeSH D009386, MONDO:0015356.
Multiple endocrine neoplasia, type 1 (MEN1). Also called: MEN I; WERMER SYNDROME; Endocrine adenomatosis multiple; MEN 1; MEA I. Identifiers: Orphanet 652, MedGen C0025267, MeSH D018761, MONDO:0007540, OMIM 131100.

Allele frequency attached by ClinVar (database versions not stated): TOPMed below 0.00001.

Submissions (4):

Molecular Diagnostics Laboratory, Catalan Institute of Oncology
Classification: Pathogenic for Hereditary cancer-predisposing syndrome. Last evaluated: 2025-04-14. Review status: criteria provided, single submitter. Criteria: ACMG Guidelines, 2015. Collection method: clinical testing. Allele origin: germline.
Comment: PVS1, PM2_supporting, PP4 c.787C>T, located in exon 4 of the MEN1 gene, is a nonsense variantexpected to result in loss of function by premature protein truncation and nonsense-mediated mRNA decay (PVS1). It is not present in the population database gnomAD v2.1.1, non cancer dataset (PM2_supporting). No effect is predicted on splicing by computational tools/SpliceAI. To our knowledge, well-stablished functional studies have not been reported for this variant. It has been identified in individuals with multiple endocrine neoplasia type 1 (PMID: 9888389) (PP4). This variant has been reported in ClinVar, as a pathogenic variant. Based on the currently available information, c.787C>T is classified as a pathogenic variant according to ACMG guidelines.

GeneDx
Classification: Pathogenic. Last evaluated: 2024-10-28. Review status: criteria provided, single submitter. Criteria: GeneDx Variant Classification Process June 2021. Collection method: clinical testing. Allele origin: germline. Affected: yes.
Comment: Nonsense variant predicted to result in protein truncation or nonsense mediated decay in a gene for which loss of function is a known mechanism of disease; Not observed at significant frequency in large population cohorts (gnomAD); This variant is associated with the following publications: (PMID: 25525159, 15635078, 9888389, 21916912)

Labcorp Genetics (formerly Invitae), Labcorp
Classification: Pathogenic for Multiple endocrine neoplasia, type 1. Last evaluated: 2024-06-10. Review status: criteria provided, single submitter. Criteria: Invitae Variant Classification Sherloc (09022015). Collection method: clinical testing. Allele origin: germline.
Comment: This sequence change creates a premature translational stop signal (p.Gln258*) in the MEN1 gene. It is expected to result in an absent or disrupted protein product. Loss-of-function variants in MEN1 are known to be pathogenic (PMID: 12112656, 17853334). This variant is not present in population databases (gnomAD no frequency). This premature translational stop signal has been observed in individual(s) with multiple endocrine neoplasia type 1 (PMID: 9888389). ClinVar contains an entry for this variant (Variation ID: 265237). For these reasons, this variant has been classified as Pathogenic.

Women's Health and Genetics/Laboratory Corporation of America, LabCorp
Classification: Pathogenic for Multiple endocrine neoplasia, type 1. Last evaluated: 2022-10-07. Review status: criteria provided, single submitter. Criteria: LabCorp Variant Classification Summary - May 2015. Collection method: clinical testing. Allele origin: germline.
Comment: Variant summary: MEN1 c.772C>T (p.Gln258X) results in a premature termination codon, predicted to cause a truncation of the encoded protein or absence of the protein due to nonsense mediated decay, which are commonly known mechanisms for disease. Truncations downstream of this position have been classified as pathogenic by our laboratory. The variant was absent in 251196 control chromosomes (gnomAD). c.772C>T has been reported in the literature in multiple individuals affected with Multiple Endocrine Neoplasia Type 1, including at least one family in which it segregated with disease (e.g. Poncin_1999, Cardinal_2006, Klein_2005, Simonds_2012). These data indicate that the variant is very likely to be associated with disease. Two clinical diagnostic laboratories have submitted clinical-significance assessments for this variant to ClinVar after 2014 and both classified the variant as pathogenic. Based on the evidence outlined above, the variant was classified as pathogenic.

Literature cited by the submitters: PubMed 12112656 (cited by Labcorp Genetics (formerly Invitae), Labcorp); PubMed 17853334 (cited by Labcorp Genetics (formerly Invitae), Labcorp); PubMed 9888389 (cited by Labcorp Genetics (formerly Invitae), Labcorp and Women's Health and Genetics/Laboratory Corporation of America, LabCorp); PubMed 15635078 (cited by Women's Health and Genetics/Laboratory Corporation of America, LabCorp); PubMed 15714081 (cited by Women's Health and Genetics/Laboratory Corporation of America, LabCorp); PubMed 21916912 (cited by Women's Health and Genetics/Laboratory Corporation of America, LabCorp).

NM_001370259.2(MEN1):c.772C>T (p.Gln258Ter)

Gene: MEN1 (menin 1; minus strand). Cytogenetic location: 11q13.1.
Variant type: single nucleotide variant.
Coding change: c.772C>T on transcript NM_001370259.2 (MANE Select); coding-DNA position 772, C replaced by T.
Protein change: p.Gln258Ter; replaces glutamine 258 with a stop codon.
Molecular consequence: nonsense.
Genome position (GRCh38, 1-based): chr11:64,807,563, G>A on the plus strand (C>T on the coding strand, the complement: MEN1 is on the minus strand). VCF-style: chr11-64807563-G-A. GRCh37 (hg19) VCF-style: chr11-64575035-G-A.
Other names: c.667C>T, p.Gln223Ter (NM_001370263.2, NM_001370262.2); c.772C>T, p.Gln258Ter (NM_130799.3, NM_001370251.2, NM_001370260.2 and 1 more transcripts); c.787C>T, p.Gln263Ter (NM_130800.3, NM_130801.3, NM_130802.3 and 3 more transcripts); short protein forms Q258*, Q263*, Q223*.
Identifiers: ClinVar variation 265237 (VCV000265237.15), dbSNP rs886039416, ClinGen allele CA10588531.
Genomic context (GRCh38, chr11:64,807,563, plus strand): 5'-AAGTCAAGTCTGGCCTAGCCCAGTCCTGCCCCATTGGCTCAGCCCTCACCTGCTGCAGCT[G>A]CAGAAGCTCCAGCGAGTCGGTGTGCAGGTCAATGGAAGGGTTGATGGCACACACCATGAA-3'